The following is an entry in ClinVar:

NM_130797.4(DPP6):c.167GCG[9] (p.Gly62_Ala63insGlyGly)

Gene: DPP6 (dipeptidyl peptidase like 6; plus strand). Cytogenetic location: 7q36.2.
Variant type: Microsatellite.
Coding change: c.167GCG[9] on transcript NM_130797.4 (MANE Select); nine copies in a row of the 3-base unit GCG starting at c.167; the reference has seven copies in a row; two copies, 6 bases duplicated.
Protein change: p.Gly62_Ala63insGlyGly.
Molecular consequence: inframe insertion. On other transcripts: intron variant (6).
Genome position (GRCh38, 1-based): chr7:154,053,002-154,053,007, GCGGCG duplicated; duplicating any 6 consecutive bases within chr7:154,052,987-154,053,007 gives the same sequence; the position shown is the placement nearest the transcript's 3' end. VCF-style (leftmost placement, unchanged base first): chr7-154052986-C-CGCGGCG. GRCh37 (hg19) VCF-style: chr7-153750071-C-CGCGGCG.
Other names: c.167GCG[9], p.Gly62_Ala63insGlyGly (NM_001290253.2); c.60+303979GCG[9] (NM_001364500.2, NM_001364499.2, NM_001364497.2 and 1 more transcripts); c.51+165253GCG[9] (NM_001364501.2, NM_001039350.3).
Identifiers: ClinVar variation 3238997 (VCV003238997.19), dbSNP rs926747893.

ClinVar aggregate classification (germline): Likely benign (1 of 4 stars; one submission).

Submission:

CeGaT Center for Human Genetics Tuebingen
Classification: Likely benign. Last evaluated: 2024-09-01. Review status: criteria provided, single submitter. Criteria: CeGaT Center For Human Genetics Tuebingen Variant Classification Criteria Version 2. Collection method: clinical testing. Allele origin: germline. Affected: yes. Observed: 6 variant alleles.
Comment: DPP6: BS1